The following is an entry in ClinVar:

ClinVar aggregate classification (germline): Uncertain significance (1 of 4 stars; one submission).

Conditions:
Autosomal recessive polycystic kidney disease (ARPKD). Also called: AR polycystic kidney disease. Identifiers: Orphanet 731, Orphanet 8378, MedGen C0085548, MeSH D017044, MONDO:0009889.

Submission:

Labcorp Genetics (formerly Invitae), Labcorp
Classification: Uncertain significance for Autosomal recessive polycystic kidney disease. Last evaluated: 2024-10-24. Review status: criteria provided, single submitter. Criteria: Invitae Variant Classification Sherloc (09022015). Collection method: clinical testing. Allele origin: germline.
Comment: This sequence change replaces tyrosine, which is neutral and polar, with histidine, which is basic and polar, at codon 2623 of the PKHD1 protein (p.Tyr2623His). This variant is not present in population databases (gnomAD no frequency). This variant has not been reported in the literature in individuals affected with PKHD1-related conditions. ClinVar contains an entry for this variant (Variation ID: 2415653). Invitae Evidence Modeling of protein sequence and biophysical properties (such as structural, functional, and spatial information, amino acid conservation, physicochemical variation, residue mobility, and thermodynamic stability) indicates that this missense variant is expected to disrupt PKHD1 protein function with a positive predictive value of 95%. In summary, the available evidence is currently insufficient to determine the role of this variant in disease. Therefore, it has been classified as a Variant of Uncertain Significance.

NM_138694.4(PKHD1):c.7867T>C (p.Tyr2623His)

Gene: PKHD1 (PKHD1 ciliary IPT domain containing fibrocystin/polyductin; minus strand). Cytogenetic location: 6p12.2.
Variant type: single nucleotide variant.
Coding change: c.7867T>C on transcript NM_138694.4 (MANE Select); coding-DNA position 7867, T replaced by C.
Protein change: p.Tyr2623His; replaces tyrosine 2623 with histidine.
Molecular consequence: missense variant.
Genome position (GRCh38, 1-based): chr6:51,855,937, A>G on the plus strand (T>C on the coding strand, the complement: PKHD1 is on the minus strand). VCF-style: chr6-51855937-A-G. GRCh37 (hg19) VCF-style: chr6-51720735-A-G.
Other names: c.7867T>C, p.Tyr2623His (NM_170724.3); short protein forms Y2623H.
Identifiers: ClinVar variation 2415653 (VCV002415653.6), dbSNP rs2535811507, ClinGen allele CA364433661.